The following is an entry in ClinVar:

ClinVar aggregate classification (germline): Likely benign (0 of 4 stars; one submission).

Conditions:
SPAG1-related disorder. Also called: SPAG1-related condition.

Allele frequency attached by ClinVar (database versions not stated): TOPMed below 0.00001.

Submission:

PreventionGenetics, part of Exact Sciences
Classification: Likely benign for SPAG1-related condition. Last evaluated: 2019-07-03. Review status: no assertion criteria provided. Collection method: clinical testing. Allele origin: germline.
Comment: This variant is classified as likely benign based on ACMG/AMP sequence variant interpretation guidelines (Richards et al. 2015 PMID: 25741868, with internal and published modifications).

NM_003114.5(SPAG1):c.2112C>T (p.Leu704=)

Gene: SPAG1 (sperm associated antigen 1; plus strand). Cytogenetic location: 8q22.2.
Variant type: single nucleotide variant.
Coding change: c.2112C>T on transcript NM_003114.5 (MANE Select); coding-DNA position 2112, C replaced by T.
Protein change: p.Leu704=; no amino-acid change (leucine 704 retained).
Molecular consequence: synonymous variant.
Genome position (GRCh38, 1-based): chr8:100,233,534, C>T. VCF-style: chr8-100233534-C-T. GRCh37 (hg19) VCF-style: chr8-101245762-C-T.
Other names: c.2112C>T, p.Leu704= (NM_001374321.1, NM_172218.3).
Identifiers: ClinVar variation 3042815 (VCV003042815.2), dbSNP rs1818872414, ClinGen allele CA462348409.
Genomic context (GRCh38, chr8:100,233,534, plus strand): 5'-TCAGCTAGCTGATGGGAACGTGAAAGCCTTCTATAGACGAGCTCTGGCTCATAAAGGACT[C>T]AAGGTGAGGAAATCTTCATTTTAATGCATAAACTTCAGCTCTGAACAAATCAAGTGGTTT-3'
Protein context (NP_003105.2, residues 694-714): FYRRALAHKG[Leu704=]KNYQKSLIDL